The following is an entry in ClinVar:

ClinVar aggregate classification (germline): Uncertain significance (1 of 4 stars; one submission).

Conditions:
Hereditary cancer-predisposing syndrome. Also called: Neoplastic Syndromes, Hereditary; Tumor predisposition; Hereditary Cancer Syndrome; Hereditary neoplastic syndrome. Identifiers: Orphanet 140162, MedGen C0027672, MeSH D009386, MONDO:0015356.

Submission:

Color Diagnostics, LLC DBA Color Health
Classification: Uncertain significance for Hereditary cancer-predisposing syndrome. Last evaluated: 2024-09-03. Review status: criteria provided, single submitter. Criteria: ACMG Guidelines, 2015. Collection method: clinical testing. Allele origin: germline.
Comment: This missense variant replaces aspartic acid with valine at codon 1766 of the APC protein. Computational prediction suggests that this variant may not impact protein structure and function (internally defined REVEL score threshold <= 0.5, PMID: 27666373). To our knowledge, functional studies have not been reported for this variant. This variant has not been reported in individuals affected with APC-related disorders in the literature. This variant has not been identified in the general population by the Genome Aggregation Database (gnomAD). The available evidence is insufficient to determine the role of this variant in disease conclusively. Therefore, this variant is classified as a Variant of Uncertain Significance.

NM_000038.6(APC):c.5297A>T (p.Asp1766Val)

Gene: APC (APC regulator of Wnt signaling pathway; plus strand). Cytogenetic location: 5q22.2.
Variant type: single nucleotide variant.
Coding change: c.5297A>T on transcript NM_000038.6 (MANE Select); coding-DNA position 5297, A replaced by T.
Protein change: p.Asp1766Val; replaces aspartic acid 1766 with valine.
Molecular consequence: missense variant. On other transcripts: non-coding transcript variant (2).
Genome position (GRCh38, 1-based): chr5:112,840,891, A>T. VCF-style: chr5-112840891-A-T. GRCh37 (hg19) VCF-style: chr5-112176588-A-T.
Other names: c.5297A>T, p.Asp1766Val (NM_001127510.3, NM_001354895.2, NM_001407450.1); c.5243A>T, p.Asp1748Val (NM_001127511.3); c.5351A>T, p.Asp1784Val (NM_001354896.2, NM_001407447.1, NM_001407448.1 and 1 more transcripts); c.5327A>T, p.Asp1776Val (NM_001354897.2); c.5222A>T, p.Asp1741Val (NM_001354898.2); c.5213A>T, p.Asp1738Val (NM_001354899.2); c.5174A>T, p.Asp1725Val (NM_001354900.2); c.5120A>T, p.Asp1707Val (NM_001354901.2, NM_001407453.1); and 11 more; short protein forms D1382V, D1483V, D1606V, D1637V, D1640V, D1665V, D1675V, D1683V.
Identifiers: ClinVar variation 3894100 (VCV003894100.1).